The following is an entry in ClinVar:

ClinVar aggregate classification (germline): Uncertain significance (1 of 4 stars; one submission).

Conditions:
Hereditary cancer-predisposing syndrome. Also called: Neoplastic Syndromes, Hereditary; Tumor predisposition; Hereditary Cancer Syndrome; Hereditary neoplastic syndrome. Identifiers: Orphanet 140162, MedGen C0027672, MeSH D009386, MONDO:0015356.

Submission:

Ambry Genetics
Classification: Uncertain significance for Hereditary cancer-predisposing syndrome. Last evaluated: 2016-01-07. Review status: criteria provided, single submitter. Criteria: Ambry Variant Classification Scheme 2023. Collection method: clinical testing. Allele origin: germline.
Comment: The p.T39R variant (also known as c.116C>G), located in coding exon 2 of the ATM gene, results from a C to G substitution at nucleotide position 116. The threonine at codon 39 is replaced by arginine, an amino acid with similar properties. This variant was not reported in population based cohorts in the following databases: Database of Single Nucleotide Polymorphisms (dbSNP), NHLBI Exome Sequencing Project (ESP), and 1000 Genomes Project. In the ESP, this variant was not observed in 6498 samples (12996 alleles) with coverage at this position. To date, this alteration has been detected with an allele frequency of approximately 0.001% (greater than 125000 alleles tested) in our clinical cohort. This amino acid position is well conserved in available vertebrate species. In addition, this alteration is predicted to be tolerated by in silico analysis. Since supporting evidence is limited at this time, the clinical significance of p.T39R remains unclear.

NM_000051.4(ATM):c.116C>G (p.Thr39Arg)

Gene: ATM (ATM serine/threonine kinase; plus strand). Cytogenetic location: 11q22.3.
Variant type: single nucleotide variant.
Coding change: c.116C>G on transcript NM_000051.4 (MANE Select); coding-DNA position 116, C replaced by G.
Protein change: p.Thr39Arg; replaces threonine 39 with arginine.
Molecular consequence: missense variant.
Genome position (GRCh38, 1-based): chr11:108,227,819, C>G. VCF-style: chr11-108227819-C-G. GRCh37 (hg19) VCF-style: chr11-108098546-C-G.
Other names: c.116C>G, p.Thr39Arg (NM_001351834.2, NM_001351835.2, NM_001351836.2); short protein forms T39R.
Identifiers: ClinVar variation 482553 (VCV000482553.5), dbSNP rs1555054109, ClinGen allele CA382519841.